The following is an entry in ClinVar:

ClinVar aggregate classification (germline): Uncertain significance. Review status: criteria provided, multiple submitters, no conflicts (2 of 4 stars). 2 submissions from 2 submitters: Uncertain significance (2). Last evaluated 2025-06-18.

Conditions:
Familial thoracic aortic aneurysm and aortic dissection (TAAD). Also called: Thoracic aortic aneurysms and dissections. Identifiers: Orphanet 91387, MedGen C4707243, MONDO:0019625.

Submissions (2):

Color Diagnostics, LLC DBA Color Health
Classification: Uncertain significance for Familial thoracic aortic aneurysm and aortic dissection. Last evaluated: 2025-06-18. Review status: criteria provided, single submitter. Criteria: ACMG Guidelines, 2015. Collection method: clinical testing. Allele origin: germline.
Comment: This missense variant replaces threonine with asparagine at codon 390 of the SMAD3 protein. Computational prediction suggests that this variant may have a deleterious impact on protein structure and function. To our knowledge, functional studies have not been reported for this variant. This variant has been reported in an individual affected with Loeys-Dietz syndrome (PMID: 32352226). This variant has not been identified in the general population by the Genome Aggregation Database (gnomAD). The available evidence is insufficient to determine the role of this variant in disease conclusively. Therefore, this variant is classified as a Variant of Uncertain Significance.

Ambry Genetics
Classification: Uncertain significance for Familial thoracic aortic aneurysm and aortic dissection. Last evaluated: 2025-03-14. Review status: criteria provided, single submitter. Criteria: Ambry Variant Classification Scheme 2023. Collection method: clinical testing. Allele origin: germline.
Comment: The p.T390N variant (also known as c.1169C>A), located in coding exon 9 of the SMAD3 gene, results from a C to A substitution at nucleotide position 1169. The threonine at codon 390 is replaced by asparagine, an amino acid with similar properties. This variant was reported in individual(s) with features consistent with SMAD3-related Loeys-Dietz syndrome (Mariucci E et al. Am J Med Genet A, 2020 Jul;182:1673-1680). This amino acid position is highly conserved in available vertebrate species. In addition, this alteration is predicted to be deleterious by in silico analysis. Based on the available evidence, the clinical significance of this variant remains unclear.

Literature cited by the submitters: PubMed 32352226 (cited by Color Diagnostics, LLC DBA Color Health and Ambry Genetics).

NM_005902.4(SMAD3):c.1169C>A (p.Thr390Asn)

Gene: SMAD3 (SMAD family member 3; plus strand). Cytogenetic location: 15q22.33.
Variant type: single nucleotide variant.
Coding change: c.1169C>A on transcript NM_005902.4 (MANE Select); coding-DNA position 1169, C replaced by A.
Protein change: p.Thr390Asn; replaces threonine 390 with asparagine.
Molecular consequence: missense variant.
Genome position (GRCh38, 1-based): chr15:67,190,427, C>A. VCF-style: chr15-67190427-C-A. GRCh37 (hg19) VCF-style: chr15-67482765-C-A.
Other names: c.854C>A, p.Thr285Asn (NM_001145102.2, NM_001407016.1); c.1037C>A, p.Thr346Asn (NM_001145103.2, NM_001407012.1); c.584C>A, p.Thr195Asn (NM_001145104.2, NM_001407017.1); c.1280C>A, p.Thr427Asn (NM_001407011.1); c.1031C>A, p.Thr344Asn (NM_001407013.1); c.1022C>A, p.Thr341Asn (NM_001407014.1); c.722C>A, p.Thr241Asn (NM_001407015.1); short protein forms T341N, T427N, T195N, T285N, T344N, T241N, T346N, T390N.
Identifiers: ClinVar variation 3798800 (VCV003798800.2).